The following is an entry in ClinVar:

ClinVar aggregate classification (germline): Uncertain significance. Review status: criteria provided, multiple submitters, no conflicts (2 of 4 stars). 2 submissions from 2 submitters: Uncertain significance (2). Last evaluated 2026-04-29.

Conditions:
Hereditary cancer-predisposing syndrome. Also called: Neoplastic Syndromes, Hereditary; Tumor predisposition; Hereditary Cancer Syndrome; Hereditary neoplastic syndrome. Identifiers: Orphanet 140162, MedGen C0027672, MeSH D009386, MONDO:0015356.
Pheochromocytoma. Also called: MAX-Related Hereditary Paraganglioma-Pheochromocytoma Syndrome. Identifiers: Orphanet 29072, MedGen C0031511, MONDO:0008233, OMIM 171300, HP:0002666.
Pheochromocytoma/paraganglioma syndrome 4. Also called: CAROTID BODY TUMORS AND MULTIPLE EXTRAADRENAL PHEOCHROMOCYTOMAS; PARAGANGLIOMA, FAMILIAL MALIGNANT; PARAGANGLIOMAS, HEREDITARY EXTRAADRENAL; PHEOCHROMOCYTOMA, FAMILIAL EXTRAADRENAL; Paragangliomas 4; SDHB-Related Hereditary Paraganglioma-Pheochromocytoma Syndrome (Paragangliomas 4). Identifiers: Orphanet 29072, MedGen C1861848, MONDO:0007273, OMIM 115310.
Gastrointestinal stromal tumor. Also called: Gastrointestinal stromal tumor, somatic; Gastrointestinal stroma tumor. Identifiers: Orphanet 44890, MedGen C0238198, MeSH D046152, MONDO:0011719, OMIM 606764, HP:0100723.

Submissions (2):

Ambry Genetics
Classification: Uncertain significance for Hereditary cancer-predisposing syndrome. Last evaluated: 2026-04-29. Review status: criteria provided, single submitter. Criteria: Ambry Variant Classification Scheme 2023. Collection method: clinical testing. Allele origin: germline.
Comment: The p.N81S variant (also known as c.242A>G), located in coding exon 3 of the SDHB gene, results from an A to G substitution at nucleotide position 242. The asparagine at codon 81 is replaced by serine, an amino acid with highly similar properties. This amino acid position is highly conserved in available vertebrate species. In addition, the in silico prediction for this alteration is inconclusive. Based on the available evidence, the clinical significance of this variant remains unclear.

Labcorp Genetics (formerly Invitae), Labcorp
Classification: Uncertain significance for Gastrointestinal stromal tumor; Pheochromocytoma/paraganglioma syndrome 4; Pheochromocytoma. Last evaluated: 2024-11-24. Review status: criteria provided, single submitter. Criteria: Invitae Variant Classification Sherloc (09022015). Collection method: clinical testing. Allele origin: germline.
Comment: This sequence change replaces asparagine, which is neutral and polar, with serine, which is neutral and polar, at codon 81 of the SDHB protein (p.Asn81Ser). This variant is not present in population databases (gnomAD no frequency). This variant has not been reported in the literature in individuals affected with SDHB-related conditions. Invitae Evidence Modeling of protein sequence and biophysical properties (such as structural, functional, and spatial information, amino acid conservation, physicochemical variation, residue mobility, and thermodynamic stability) has been performed for this missense variant. However, the output from this modeling did not meet the statistical confidence thresholds required to predict the impact of this variant on SDHB protein function. In summary, the available evidence is currently insufficient to determine the role of this variant in disease. Therefore, it has been classified as a Variant of Uncertain Significance.

NM_003000.3(SDHB):c.242A>G (p.Asn81Ser)

Gene: SDHB (succinate dehydrogenase complex iron sulfur subunit B; minus strand). Cytogenetic location: 1p36.13.
Variant type: single nucleotide variant.
Coding change: c.242A>G on transcript NM_003000.3 (MANE Select); coding-DNA position 242, A replaced by G.
Protein change: p.Asn81Ser; replaces asparagine 81 with serine.
Molecular consequence: missense variant.
Genome position (GRCh38, 1-based): chr1:17,033,104, T>C on the plus strand (A>G on the coding strand, the complement: SDHB is on the minus strand). VCF-style: chr1-17033104-T-C. GRCh37 (hg19) VCF-style: chr1-17359599-T-C.
Other names: c.242A>G, p.Asn81Ser (NM_001407361.1); short protein forms N81S.
Identifiers: ClinVar variation 3763726 (VCV003763726.3).
Genomic context (GRCh38, chr1:17,033,104, plus strand): 5'-GGAATGAAATGCTCACCTTCTCTGCATGATCTTCGGAAGGTCAAAGTAGAGTCAACTTCA[T>C]TCTTAATCTTGATTAAAGCATCCAATACCATGGGGCCACATCTAACAAAGAAAAATATCC-3'
Protein context (NP_002991.2, residues 71-91): MVLDALIKIK[Asn81Ser]EVDSTLTFRR